The following is an entry in ClinVar:

NM_005912.3(MC4R):c.835T>C (p.Cys279Arg)

Gene: MC4R (melanocortin 4 receptor; minus strand). Cytogenetic location: 18q21.32.
Variant type: single nucleotide variant.
Coding change: c.835T>C on transcript NM_005912.3 (MANE Select); coding-DNA position 835, T replaced by C.
Protein change: p.Cys279Arg; replaces cysteine 279 with arginine.
Molecular consequence: missense variant.
Genome position (GRCh38, 1-based): chr18:60,371,515, A>G on the plus strand (T>C on the coding strand, the complement: MC4R is on the minus strand). VCF-style: chr18-60371515-A-G. GRCh37 (hg19) VCF-style: chr18-58038748-A-G.
Other names: short protein forms C279R.
Identifiers: ClinVar variation 1705372 (VCV001705372.1), dbSNP rs2511560063, ClinGen allele CA402718980.

ClinVar aggregate classification (germline): Uncertain significance (1 of 4 stars; one submission).

Conditions:
BODY MASS INDEX QUANTITATIVE TRAIT LOCUS 20 (BMIQ20). Also called: MELANOCORTIN 4 RECEPTOR DEFICIENCY; MC4R DEFICIENCY. Identifiers: MedGen C4759928, OMIM 618406.

Submission:

3billion
Classification: Uncertain significance for BODY MASS INDEX QUANTITATIVE TRAIT LOCUS 20. Last evaluated: 2022-09-01. Review status: criteria provided, single submitter. Criteria: ACMG Guidelines, 2015. Collection method: clinical testing. Allele origin: germline. Affected: yes. Observed: 1 heterozygote.
Comment: The variant is not observed in the gnomAD v2.1.1 dataset. Missense changes are a common disease-causing mechanism. In silico tool predictions suggest damaging effect of the variant on gene or gene product (REVEL: 0.79; 3Cnet: 0.88). Therefore, this variant is classified as uncertain significance according to the recommendation of ACMG/AMP guideline.